The following is an entry in ClinVar:

ClinVar aggregate classification (germline): Uncertain significance (1 of 4 stars; one submission).

Conditions:
Landau-Kleffner syndrome (FESD). Also called: EPILEPSY, FOCAL, WITH SPEECH DISORDER AND WITH OR WITHOUT MENTAL RETARDATION; APHASIA, ACQUIRED, WITH EPILEPSY. Identifiers: Orphanet 1945, Orphanet 725, Orphanet 98818, MedGen C0282512, MONDO:0009509, OMIM 245570.

gnomAD v4.1: 1 of 1,613,836 alleles (0.000062%); highest among the groups gnomAD compares: Non-Finnish European, 0.000085%; no homozygotes.

Submission:

Labcorp Genetics (formerly Invitae), Labcorp
Classification: Uncertain significance for Landau-Kleffner syndrome. Last evaluated: 2022-05-15. Review status: criteria provided, single submitter. Criteria: Invitae Variant Classification Sherloc (09022015). Collection method: clinical testing. Allele origin: germline.
Comment: In summary, the available evidence is currently insufficient to determine the role of this variant in disease. Therefore, it has been classified as a Variant of Uncertain Significance. Advanced modeling of protein sequence and biophysical properties (such as structural, functional, and spatial information, amino acid conservation, physicochemical variation, residue mobility, and thermodynamic stability) performed at Invitae indicates that this missense variant is not expected to disrupt GRIN2A protein function. This variant has not been reported in the literature in individuals affected with GRIN2A-related conditions. This variant is not present in population databases (gnomAD no frequency). This sequence change replaces glycine, which is neutral and non-polar, with arginine, which is basic and polar, at codon 1326 of the GRIN2A protein (p.Gly1326Arg).

NM_001134407.3(GRIN2A):c.3976G>C (p.Gly1326Arg)

Gene: GRIN2A (glutamate ionotropic receptor NMDA type subunit 2A; minus strand). Cytogenetic location: 16p13.2.
Variant type: single nucleotide variant.
Coding change: c.3976G>C on transcript NM_001134407.3 (MANE Select); coding-DNA position 3976, G replaced by C.
Protein change: p.Gly1326Arg; replaces glycine 1326 with arginine.
Molecular consequence: missense variant. On other transcripts: intron variant (1).
Genome position (GRCh38, 1-based): chr16:9,763,568, C>G on the plus strand (G>C on the coding strand, the complement: GRIN2A is on the minus strand). VCF-style: chr16-9763568-C-G. GRCh37 (hg19) VCF-style: chr16-9857425-C-G.
Other names: c.3976G>C, p.Gly1326Arg (NM_000833.5); c.3773-140G>C (NM_001134408.2); short protein forms G1326R.
Identifiers: ClinVar variation 1994883 (VCV001994883.4), dbSNP rs1268143219, ClinGen allele CA394706438.